The following is an entry in ClinVar:

ClinVar aggregate classification (germline): Likely benign. Review status: criteria provided, multiple submitters, no conflicts (2 of 4 stars). 3 submissions from 3 submitters: Likely benign (2). 1 of the submissions does not count toward it. Last evaluated 2016-03-29.

Conditions:
DNAH7-related disorder. Also called: DNAH7-related condition.

Allele frequency attached by ClinVar (database versions not stated): 1000 Genomes Project 30x 0.00874; 1000 Genomes Project 0.00899; TOPMed 0.01486; gnomAD 0.01632 and 0.01654; ESP Exome Variant Server 0.01798; ExAC 0.01844.
gnomAD v4.1: 36,445 of 1,613,136 alleles (2.3%); highest among the groups gnomAD compares: Non-Finnish European, 2.6%; 493 homozygotes.

Submissions (18):

Laboratory for Molecular Medicine, Mass General Brigham Personalized Medicine
Classification: Likely benign. Last evaluated: 2016-03-29. Review status: criteria provided, single submitter. Criteria: LMM Criteria. Collection method: clinical testing. Allele origin: germline.
Comment: Variant identified in a genome or exome case(s) and assessed due to predicted null impact of the variant or pathogenic assertions in the literature or databases. Disclaimer: This variant has not undergone full assessment. The following are preliminary notes: Axonemal dynein/candidate PCD gene, but frequency of this variant is high

Breakthrough Genomics
Classification: Likely benign. Review status: criteria provided, single submitter. Criteria: ACMG Guidelines, 2015. Collection method: not provided. Allele origin: germline. Inheritance: Unknown mechanism. Affected: yes.

PreventionGenetics, part of Exact Sciences
Classification: Benign for DNAH7-related condition. Last evaluated: 2019-06-18. Review status: no assertion criteria provided. Collection method: clinical testing. Allele origin: germline. Not counted in ClinVar's aggregate classification.
Comment: This variant is classified as benign based on ACMG/AMP sequence variant interpretation guidelines (Richards et al. 2015 PMID: 25741868, with internal and published modifications).

Dr. Peter K. Rogan Lab, Western University
No classification provided (evidence only). Condition: Lung cancer. Review status: no classification provided. Collection method: in vitro. Allele origin: not applicable. Functional consequence: retained intron. Not counted in ClinVar's aggregate classification.

Dr. Peter K. Rogan Lab, Western University
No classification provided (evidence only). Condition: Melanoma. Review status: no classification provided. Collection method: in vitro. Allele origin: not applicable. Functional consequence: retained intron. Not counted in ClinVar's aggregate classification.

Dr. Peter K. Rogan Lab, Western University
No classification provided (evidence only). Condition: Acute myeloid leukemia. Review status: no classification provided. Collection method: in vitro. Allele origin: not applicable. Functional consequence: retained intron. Not counted in ClinVar's aggregate classification.

Dr. Peter K. Rogan Lab, Western University
No classification provided (evidence only). Condition: Colorectal cancer. Review status: no classification provided. Collection method: in vitro. Allele origin: not applicable. Functional consequence: retained intron. Not counted in ClinVar's aggregate classification.

Dr. Peter K. Rogan Lab, Western University
No classification provided (evidence only). Condition: Thyroid cancer, nonmedullary, 1. Review status: no classification provided. Collection method: in vitro. Allele origin: not applicable. Functional consequence: retained intron. Not counted in ClinVar's aggregate classification.

Dr. Peter K. Rogan Lab, Western University
No classification provided (evidence only). Condition: Thyroid cancer, nonmedullary, 1. Review status: no classification provided. Collection method: in vitro. Allele origin: not applicable. Functional consequence: cryptic splice site. Not counted in ClinVar's aggregate classification.

Dr. Peter K. Rogan Lab, Western University
No classification provided (evidence only). Condition: Sarcoma. Review status: no classification provided. Collection method: in vitro. Allele origin: not applicable. Functional consequence: retained intron. Not counted in ClinVar's aggregate classification.

Dr. Peter K. Rogan Lab, Western University
No classification provided (evidence only). Condition: Ovarian serous cystadenocarcinoma. Review status: no classification provided. Collection method: in vitro. Allele origin: not applicable. Functional consequence: retained intron. Not counted in ClinVar's aggregate classification.

Dr. Peter K. Rogan Lab, Western University
No classification provided (evidence only). Condition: Ovarian serous cystadenocarcinoma. Review status: no classification provided. Collection method: in vitro. Allele origin: not applicable. Functional consequence: retained intron. Not counted in ClinVar's aggregate classification.

Dr. Peter K. Rogan Lab, Western University
No classification provided (evidence only). Condition: Ovarian serous cystadenocarcinoma. Review status: no classification provided. Collection method: in vitro. Allele origin: not applicable. Functional consequence: retained intron. Not counted in ClinVar's aggregate classification.

Dr. Peter K. Rogan Lab, Western University
No classification provided (evidence only). Condition: Gastric cancer. Review status: no classification provided. Collection method: in vitro. Allele origin: not applicable. Functional consequence: retained intron. Not counted in ClinVar's aggregate classification.

Dr. Peter K. Rogan Lab, Western University
No classification provided (evidence only). Condition: Malignant tumor of esophagus. Review status: no classification provided. Collection method: in vitro. Allele origin: not applicable. Functional consequence: retained intron. Not counted in ClinVar's aggregate classification.

Dr. Peter K. Rogan Lab, Western University
No classification provided (evidence only). Condition: Familial pancreatic carcinoma. Review status: no classification provided. Collection method: in vitro. Allele origin: not applicable. Functional consequence: cryptic splice site, retained intron. Not counted in ClinVar's aggregate classification.

Dr. Peter K. Rogan Lab, Western University
No classification provided (evidence only). Condition: Ovarian cancer. Review status: no classification provided. Collection method: in vitro. Allele origin: not applicable. Functional consequence: cryptic splice site. Not counted in ClinVar's aggregate classification.

Dr. Peter K. Rogan Lab, Western University
No classification provided (evidence only). Condition: Ovarian cancer. Review status: no classification provided. Collection method: in vitro. Allele origin: not applicable. Functional consequence: cryptic splice site, retained intron. Not counted in ClinVar's aggregate classification.

NM_018897.3(DNAH7):c.6161A>G (p.Tyr2054Cys)

Gene: DNAH7 (dynein axonemal heavy chain 7; minus strand). Cytogenetic location: 2q32.3.
Variant type: single nucleotide variant.
Coding change: c.6161A>G on transcript NM_018897.3 (MANE Select); coding-DNA position 6161, A replaced by G.
Protein change: p.Tyr2054Cys; replaces tyrosine 2054 with cysteine.
Molecular consequence: missense variant.
Genome position (GRCh38, 1-based): chr2:195,875,800, T>C on the plus strand (A>G on the coding strand, the complement: DNAH7 is on the minus strand). VCF-style: chr2-195875800-T-C. GRCh37 (hg19) VCF-style: chr2-196740524-T-C.
Other names: short protein forms Y2054C.
Identifiers: ClinVar variation 402758 (VCV000402758.8), dbSNP rs62623377, ClinGen allele CA2035182.